The following is an entry in ClinVar:

ClinVar aggregate classification (germline): Conflicting classifications of pathogenicity. Review status: criteria provided, conflicting classifications (1 of 4 stars). 9 submissions from 9 submitters: Uncertain significance (1); Benign (2); Likely benign (4). 2 of the submissions do not count toward it. Last evaluated 2026-09-01.

Conditions:
Isolated Nonsyndromic Congenital Heart Disease.
Cardiovascular phenotype. Identifiers: MedGen CN230736.
Alagille syndrome due to a JAG1 point mutation. Also called: Alagille Syndrome 1; JAG1-Related Alagille Syndrome; HEPATIC DUCTULAR HYPOPLASIA, SYNDROMATIC. Identifiers: Orphanet 261619, Orphanet 52, MedGen C1956125, MONDO:0016862, OMIM 118450.

Allele frequency attached by ClinVar (database versions not stated): 1000 Genomes Project 30x 0.00016; 1000 Genomes Project 0.00020; gnomAD exomes 0.00072 and 0.00114; ExAC 0.00086; gnomAD 0.00089 and 0.00109; ESP Exome Variant Server 0.00100; TOPMed 0.00143.
gnomAD v4.1: 1,843 of 1,614,160 alleles (0.11%); highest among the groups gnomAD compares: Non-Finnish European, 0.13%; 2 homozygotes.

Submissions (9):

CeGaT Center for Human Genetics Tuebingen
Classification: Likely benign. Last evaluated: 2026-09-01. Review status: criteria provided, single submitter. Criteria: CeGaT Center For Human Genetics Tuebingen Variant Classification Criteria Version 2. Collection method: clinical testing. Allele origin: germline. Affected: yes. Observed: 10 variant alleles.
Comment: JAG1: BP4, BP7

Labcorp Genetics (formerly Invitae), Labcorp
Classification: Benign for Alagille syndrome due to a JAG1 point mutation. Last evaluated: 2026-01-26. Review status: criteria provided, single submitter. Criteria: Invitae Variant Classification Sherloc (09022015). Collection method: clinical testing. Allele origin: germline.

Blueprint Genetics
Classification: Likely benign. Last evaluated: 2024-10-16. Review status: criteria provided, single submitter. Criteria: ACMG Guidelines, 2015. Collection method: clinical testing. Allele origin: germline.

GeneDx
Classification: Likely benign. Last evaluated: 2018-08-13. Review status: criteria provided, single submitter. Criteria: GeneDx Variant Classification Process June 2021. Collection method: clinical testing. Allele origin: germline. Affected: yes.
Comment: This variant is associated with the following publications: (PMID: 22040217)

Eurofins Ntd Llc (ga)
Classification: Uncertain significance. Last evaluated: 2017-12-11. Review status: criteria provided, single submitter. Criteria: EGL Classification Definitions 2015. Collection method: clinical testing. Allele origin: germline. Observed: 6 variant alleles, 6 heterozygotes.

Illumina Laboratory Services, Illumina
Classification: Benign for Isolated Nonsyndromic Congenital Heart Disease. Last evaluated: 2017-04-28. Review status: criteria provided, single submitter. Criteria: ICSL Variant Classification Criteria 13 December 2019. Collection method: clinical testing. Allele origin: germline.
Comment: This variant was observed as part of a predisposition screen in an ostensibly healthy population. A literature search was performed for the gene, cDNA change, and amino acid change (where applicable). Publications were found based on this search. The evidence from the literature, in combination with allele frequency data from public databases where available, was sufficient to rule this variant out of causing disease. Therefore, this variant is classified as benign.

Ambry Genetics
Classification: Likely benign for Cardiovascular phenotype. Last evaluated: 2016-04-26. Review status: criteria provided, single submitter. Criteria: Ambry Variant Classification Scheme 2023. Collection method: clinical testing. Allele origin: germline.

Clinical Genetics DNA and cytogenetics Diagnostics Lab, Erasmus MC, Erasmus Medical Center
Classification: Likely benign. Review status: no assertion criteria provided. Collection method: clinical testing. Allele origin: germline. Affected: yes. Study: VKGL Data-share Consensus. Not counted in ClinVar's aggregate classification.

Genome Diagnostics Laboratory, University Medical Center Utrecht
Classification: Likely benign. Review status: no assertion criteria provided. Collection method: clinical testing. Allele origin: germline. Affected: yes. Study: VKGL Data-share Consensus. Not counted in ClinVar's aggregate classification.

Literature cited by the submitters: PubMed 22040217 (cited by Illumina Laboratory Services, Illumina).

NM_000214.3(JAG1):c.2778C>T (p.Phe926=)

Gene: JAG1 (jagged canonical Notch ligand 1; minus strand). Cytogenetic location: 20p12.2.
Variant type: single nucleotide variant.
Coding change: c.2778C>T on transcript NM_000214.3 (MANE Select); coding-DNA position 2778, C replaced by T.
Protein change: p.Phe926=; no amino-acid change (phenylalanine 926 retained).
Molecular consequence: synonymous variant.
Genome position (GRCh38, 1-based): chr20:10,641,598, G>A on the plus strand (C>T on the coding strand, the complement: JAG1 is on the minus strand). VCF-style: chr20-10641598-G-A. GRCh37 (hg19) VCF-style: chr20-10622246-G-A.
Other names: c.2778C>T, p.Phe926= (LRG_1191t1).
Identifiers: ClinVar variation 263781 (VCV000263781.52), dbSNP rs147793030, ClinGen allele CA9764396.